The following is an entry in ClinVar:

ClinVar aggregate classification (germline): Uncertain significance (1 of 4 stars; one submission).

Conditions:
Primary ciliary dyskinesia. Also called: Ciliary dyskinesia. Identifiers: Orphanet 244, MedGen C0008780, MONDO:0016575, HP:0012265.

Allele frequency attached by ClinVar (database versions not stated): gnomAD exomes below 0.00001; TOPMed below 0.00001; gnomAD 0.00001.
gnomAD v4.1: 4 of 1,614,086 alleles (0.00025%); highest among the groups gnomAD compares: Non-Finnish European, 0.00034%; no homozygotes.

Submission:

Labcorp Genetics (formerly Invitae), Labcorp
Classification: Uncertain significance for Primary ciliary dyskinesia. Last evaluated: 2023-10-13. Review status: criteria provided, single submitter. Criteria: Invitae Variant Classification Sherloc (09022015). Collection method: clinical testing. Allele origin: germline.
Comment: This sequence change replaces glutamic acid, which is acidic and polar, with lysine, which is basic and polar, at codon 407 of the DRC1 protein (p.Glu407Lys). This variant is not present in population databases (gnomAD no frequency). This variant has not been reported in the literature in individuals affected with DRC1-related conditions. An algorithm developed to predict the effect of missense changes on protein structure and function (PolyPhen-2) suggests that this variant is likely to be disruptive. Algorithms developed to predict the effect of sequence changes on RNA splicing suggest that this variant may disrupt the consensus splice site. In summary, the available evidence is currently insufficient to determine the role of this variant in disease. Therefore, it has been classified as a Variant of Uncertain Significance.

NM_145038.5(DRC1):c.1219G>A (p.Glu407Lys)

Gene: DRC1 (dynein regulatory complex subunit 1; plus strand). Cytogenetic location: 2p23.3.
Variant type: single nucleotide variant.
Coding change: c.1219G>A on transcript NM_145038.5 (MANE Select); coding-DNA position 1219, G replaced by A.
Protein change: p.Glu407Lys; replaces glutamic acid 407 with lysine.
Molecular consequence: missense variant.
Genome position (GRCh38, 1-based): chr2:26,444,771, G>A. VCF-style: chr2-26444771-G-A. GRCh37 (hg19) VCF-style: chr2-26667639-G-A.
Other names: short protein forms E407K.
Identifiers: ClinVar variation 2781594 (VCV002781594.3), dbSNP rs1182364971, ClinGen allele CA346110091.
Genomic context (GRCh38, chr2:26,444,771, plus strand): 5'-CACAGGCATTTTGCTCTTATTGATGATGAGAAGTTTTGGGAGATTTGGCTGATGAATGAA[G>A]AGGAGGCGAAGGACCTAATAGCCAGAGCCTTTGATGTGGACAGGATCATCCACACCCATC-3'
Protein context (NP_659475.2, residues 397-417): KFWEIWLMNE[Glu407Lys]EAKDLIARAF